The following is an entry in ClinVar:

ClinVar aggregate classification (germline): Conflicting classifications of pathogenicity. Review status: criteria provided, conflicting classifications (1 of 4 stars). 7 submissions from 7 submitters: Pathogenic (1); Likely pathogenic (2); Uncertain significance (4). Last evaluated 2026-01-10.

Conditions:
Cardiovascular phenotype. Identifiers: MedGen CN230736.
Arrhythmogenic right ventricular dysplasia 10. Also called: Arrhythmogenic right ventricular dysplasia/cardiomyopathy, type 10; Arrhythmogenic Right Ventricular Dysplasia/Cardiomyopathy10; ARRHYTHMOGENIC RIGHT VENTRICULAR DYSPLASIA, FAMILIAL, 10. Identifiers: MedGen C1857777, MONDO:0012434, OMIM 610193.
Dilated cardiomyopathy 1BB (CMD1BB). Also called: CARDIOMYOPATHY, DILATED, 1BB, SUSCEPTIBILITY TO. Identifiers: Orphanet 154, MedGen C2752072, MONDO:0013030, OMIM 612877.
Arrhythmogenic right ventricular cardiomyopathy (ARVD). Also called: Arrhythmogenic cardiomyopathy; Arrhythmogenic Right Ventricular Cardiomyopathy (ARVC); Cardiomyopathy, ARVC; Arrhythmogenic right ventricular dysplasia. Identifiers: Orphanet 247, MedGen C0349788, MeSH D019571, MONDO:0016587. Disease mechanism: loss of function. Inheritance: Various modes of inheritance.
Cardiomyopathy (CMYO). Also called: Cardiomyopathies. Identifiers: Orphanet 167848, MedGen C0878544, MONDO:0004994, HP:0001638. Inheritance: Various modes of inheritance.

Submissions (7):

Labcorp Genetics (formerly Invitae), Labcorp
Classification: Pathogenic for Arrhythmogenic right ventricular dysplasia 10. Last evaluated: 2026-01-10. Review status: criteria provided, single submitter. Criteria: Invitae Variant Classification Sherloc (09022015). Collection method: clinical testing. Allele origin: germline.
Comment: This sequence change creates a premature translational stop signal (p.Val975*) in the DSG2 gene. While this is not anticipated to result in nonsense mediated decay, it is expected to disrupt the last 144 amino acid(s) of the DSG2 protein. This variant is present in population databases (rs794728084, gnomAD 0.0009%). This variant has not been reported in the literature in individuals affected with DSG2-related conditions. ClinVar contains an entry for this variant (Variation ID: 199801). This variant disrupts a region of the DSG2 protein in which other variant(s) (p.Glu1020Alafs*18) have been determined to be pathogenic (PMID: 20864495, 21397041, 23381804). This suggests that this is a clinically significant region of the protein, and that variants that disrupt it are likely to be disease-causing. For these reasons, this variant has been classified as Pathogenic.

Color Diagnostics, LLC DBA Color Health
Classification: Uncertain significance for Cardiomyopathy. Last evaluated: 2025-06-26. Review status: criteria provided, single submitter. Criteria: ACMG Guidelines, 2015. Collection method: clinical testing. Allele origin: germline.
Comment: This variant deletes 1 nucleotide in exon 15 of the DSG2 gene, creating a frameshift and a premature translation stop signal in the last coding exon. This mutant transcript is predicted to escape nonsense-mediated decay and be expressed as a truncated protein. To our knowledge, this variant has not been reported in individuals affected with DSG2-related disorders in the literature. This variant has been identified in 1/243810 chromosomes in the general population by the Genome Aggregation Database (gnomAD). The available evidence is insufficient to determine the role of this variant in disease conclusively. Therefore, this variant is classified as a Variant of Uncertain Significance.

Fulgent Genetics
Classification: Likely pathogenic for Arrhythmogenic right ventricular dysplasia 10; Dilated cardiomyopathy 1BB. Last evaluated: 2024-06-04. Review status: criteria provided, single submitter. Criteria: ACMG Guidelines, 2015. Collection method: clinical testing. Allele origin: germline.

Ambry Genetics
Classification: Uncertain significance for Cardiovascular phenotype. Last evaluated: 2024-05-13. Review status: criteria provided, single submitter. Criteria: Ambry Variant Classification Scheme 2023. Collection method: clinical testing. Allele origin: germline.
Comment: The c.2923delG variant, located in coding exon 15 of the DSG2 gene, results from a deletion of one nucleotide at nucleotide position 2923, causing a translational frameshift with a predicted alternate stop codon (p.V975*). This alteration occurs at the 3' terminus of theDSG2 gene, is not expected to trigger nonsense-mediated mRNA decay, and only impacts the last 13% of the protein. The exact functional effect of this alteration is unknown. Based on the available evidence, the clinical significance of this variant remains unclear.

All of Us Research Program, National Institutes of Health
Classification: Uncertain significance for Arrhythmogenic right ventricular cardiomyopathy. Last evaluated: 2023-11-28. Review status: criteria provided, single submitter. Criteria: ACMG Guidelines, 2015. Collection method: clinical testing. Allele origin: germline. Inheritance: Autosomal dominant inheritance. Observed: 2 variant alleles, 2 heterozygotes.
Comment: This study involves interpretation of variants in research participants for the purpose of population health screening. Participant phenotype was not available at the time of variant classification. Additional details can be found in publication PMID: 35346344, PMCID: PMC8962531

Illumina Laboratory Services, Illumina
Classification: Likely pathogenic for Arrhythmogenic right ventricular cardiomyopathy. Last evaluated: 2023-11-09. Review status: criteria provided, single submitter. Criteria: ICSLVariantClassificationCriteria RUGD 01 April 2020. Collection method: clinical testing. Allele origin: unknown.
Comment: The DSG2 c.2923del p.(Val975Ter) variant causes a shift in the protein reading frame that is predicted to result in premature termination of the protein. This variant occurs in the last exon of the gene and may escape nonsense-mediated mRNA decay. The c.2923del variant has been identified in an individual with ARVC (PMID: 33684294). This variant is reported in the Genome Aggregation Database in two alleles at a frequency of 0.000029 in the European (non-Finnish) population (version 4.0.0). Based on the available evidence, the c.2923del p.(Val975Ter) variant is classified as likely pathogenic for DSG2-related cardiomyopathy.

GeneDx
Classification: Uncertain significance. Last evaluated: 2023-10-19. Review status: criteria provided, single submitter. Criteria: GeneDx Variant Classification Process June 2021. Collection method: clinical testing. Allele origin: germline. Affected: yes.
Comment: Has not been previously published in association with DSG2-related disease to our knowledge; Not observed at significant frequency in large population cohorts (gnomAD); Nonsense variant in the C-terminus predicted to result in protein truncation, as the last 144 amino acids are lost.; This variant is associated with the following publications: (PMID: 33684294)

Literature cited by the submitters: PubMed 20864495 (cited by Labcorp Genetics (formerly Invitae), Labcorp); PubMed 21397041 (cited by Labcorp Genetics (formerly Invitae), Labcorp); PubMed 23381804 (cited by Labcorp Genetics (formerly Invitae), Labcorp); PubMed 33684294 (cited by Illumina Laboratory Services, Illumina).

NM_001943.5(DSG2):c.2923del (p.Leu974_Val975insTer)

Genes: DSG2 (desmoglein 2; plus strand), DSG2-AS1 (DSG2 antisense RNA 1; minus strand). Cytogenetic location: 18q12.1.
Variant type: Deletion.
Coding change: c.2923del on transcript NM_001943.5 (MANE Select); coding-DNA position 2923, one base deleted (G; older notation c.2923delG).
Protein change: p.Leu974_Val975insTer.
Molecular consequence: nonsense.
Genome position (GRCh38, 1-based): chr18:31,546,309, G deleted; the last of 2 consecutive G bases (chr18:31,546,308-31,546,309); deleting either gives the same sequence. VCF-style (leftmost placement, unchanged base first): chr18-31546307-TG-T. GRCh37 (hg19) VCF-style: chr18-29126270-TG-T.
Other names: p.V975*:GTA>TAG; c.2923del (LRG_397t1); c.2923delG (NM_001943.3).
Identifiers: ClinVar variation 199801 (VCV000199801.13), dbSNP rs794728084, ClinGen allele CA021938.